The following is an entry in ClinVar:

ClinVar aggregate classification (germline): Conflicting classifications of pathogenicity. Review status: criteria provided, conflicting classifications (1 of 4 stars). 10 submissions from 10 submitters: Uncertain significance (1); Benign (1); Likely benign (5). 3 of the submissions do not count toward it. Last evaluated 2026-01-26.

Conditions:
TTN-related disorder. Also called: TTN-related disorders; TTN-related condition; TTN-related disease.
Cardiovascular phenotype. Identifiers: MedGen CN230736.
Dilated cardiomyopathy 1G (CMD1G). Identifiers: Orphanet 154, MedGen C1858763, MONDO:0011400, OMIM 604145.
Autosomal recessive limb-girdle muscular dystrophy type 2J (LGMDR10). Also called: Limb-girdle muscular dystrophy, type 2J; MUSCULAR DYSTROPHY, LIMB-GIRDLE, AUTOSOMAL RECESSIVE 10. Identifiers: Orphanet 140922, MedGen C1837342, MONDO:0012127, OMIM 608807.
Cardiomyopathy (CMYO). Also called: Cardiomyopathies. Identifiers: Orphanet 167848, MedGen C0878544, MONDO:0004994, HP:0001638. Inheritance: Various modes of inheritance.

Allele frequency attached by ClinVar (database versions not stated): ExAC 0.00005; gnomAD exomes 0.00005; TOPMed 0.00006; gnomAD 0.00007 and 0.00009; ESP Exome Variant Server 0.00017.
gnomAD v4.1: 111 of 1,612,236 alleles (0.0069%); highest among the groups gnomAD compares: Middle Eastern, 0.033%; no homozygotes.

Submissions (10):

Labcorp Genetics (formerly Invitae), Labcorp
Classification: Likely benign for Dilated cardiomyopathy 1G; Autosomal recessive limb-girdle muscular dystrophy type 2J. Last evaluated: 2026-01-26. Review status: criteria provided, single submitter. Criteria: Invitae Variant Classification Sherloc (09022015). Collection method: clinical testing. Allele origin: germline.

Women's Health and Genetics/Laboratory Corporation of America, LabCorp
Classification: Likely benign. Last evaluated: 2024-12-24. Review status: criteria provided, single submitter. Criteria: LabCorp Variant Classification Summary - May 2015. Collection method: clinical testing. Allele origin: germline.
Comment: Variant summary: TTN c.36885G>A alters a conserved nucleotide resulting in a synonymous change. Consensus agreement among computation tools predict no significant impact on normal splicing. However, these predictions have yet to be confirmed by functional studies. The variant allele was found at a frequency of 5.2e-05 in 247680 control chromosomes. This frequency is not significantly higher than estimated for a pathogenic variant in TTN causing Dilated Cardiomyopathy (5.2e-05 vs 0.00039), allowing no conclusion about variant significance. To our knowledge, no occurrence of c.36885G>A in individuals affected with Dilated Cardiomyopathy and no experimental evidence demonstrating its impact on protein function have been reported. ClinVar contains an entry for this variant (Variation ID: 178214). Based on the evidence outlined above, the variant was classified as likely benign.

CHEO Genetics Diagnostic Laboratory, Children's Hospital of Eastern Ontario
Classification: Likely benign for Cardiomyopathy. Last evaluated: 2021-06-29. Review status: criteria provided, single submitter. Criteria: ACMG Guidelines, 2015. Collection method: clinical testing. Allele origin: germline.

Ambry Genetics
Classification: Likely benign for Cardiovascular phenotype. Last evaluated: 2018-06-30. Review status: criteria provided, single submitter. Criteria: Ambry Variant Classification Scheme 2023. Collection method: clinical testing. Allele origin: germline.

Eurofins Ntd Llc (ga)
Classification: Uncertain significance. Last evaluated: 2016-03-17. Review status: criteria provided, single submitter. Criteria: EGL Classification Definitions 2015. Collection method: clinical testing. Allele origin: germline. Observed: 2 variant alleles, 2 heterozygotes.

GeneDx
Classification: Benign. Last evaluated: 2015-12-30. Review status: criteria provided, single submitter. Criteria: GeneDx Variant Classification (06012015). Collection method: clinical testing. Allele origin: germline. Affected: yes.
Comment: This variant is considered likely benign or benign based on one or more of the following criteria: it is a conservative change, it occurs at a poorly conserved position in the protein, it is predicted to be benign by multiple in silico algorithms, and/or has population frequency not consistent with disease.

Laboratory for Molecular Medicine, Mass General Brigham Personalized Medicine
Classification: Likely benign. Last evaluated: 2012-03-19. Review status: criteria provided, single submitter. Criteria: LMM Criteria. Collection method: clinical testing. Allele origin: germline. Observed: 1 variant allele.
Comment: Thr12295Thr in exon 191 of TTN: This variant is not expected to have clinical si gnificance because it does not alter an amino acid residue and is not located wi thin the splice consensus sequence. It has been identified in 2/3666 African Ame rican chromosomes by the NHLBI Exome Sequencing Project (n.edu/EVS). Thr12295Thr in exon 191 of TTN (allele frequency = 2/3666 ) **

PreventionGenetics, part of Exact Sciences
Classification: Likely benign for TTN-related condition. Last evaluated: 2019-05-24. Review status: no assertion criteria provided. Collection method: clinical testing. Allele origin: germline. Not counted in ClinVar's aggregate classification.
Comment: This variant is classified as likely benign based on ACMG/AMP sequence variant interpretation guidelines (Richards et al. 2015 PMID: 25741868, with internal and published modifications).

Clinical Genetics, Academic Medical Center
Classification: Benign. Review status: no assertion criteria provided. Collection method: clinical testing. Allele origin: germline. Affected: yes. Study: VKGL Data-share Consensus. Not counted in ClinVar's aggregate classification.

Joint Genome Diagnostic Labs from Nijmegen and Maastricht, Radboudumc and MUMC+
Classification: Likely benign. Review status: no assertion criteria provided. Collection method: clinical testing. Allele origin: germline. Affected: yes. Study: VKGL Data-share Consensus. Not counted in ClinVar's aggregate classification.

NM_001267550.2(TTN):c.44589G>A (p.Thr14863=)

Gene: TTN (titin; minus strand). Cytogenetic location: 2q31.2.
Variant type: single nucleotide variant.
Coding change: c.44589G>A on transcript NM_001267550.2 (MANE Select); coding-DNA position 44589, G replaced by A.
Protein change: p.Thr14863=; no amino-acid change (threonine 14863 retained).
Molecular consequence: synonymous variant.
Genome position (GRCh38, 1-based): chr2:178,624,691, C>T on the plus strand (G>A on the coding strand, the complement: TTN is on the minus strand). VCF-style: chr2-178624691-C-T. GRCh37 (hg19) VCF-style: chr2-179489418-C-T.
Other names: c.39666G>A, p.Thr13222= (NM_001256850.1); c.36885G>A, p.Thr12295= (NM_133378.4); c.17394G>A, p.Thr5798= (NM_003319.4); c.17769G>A, p.Thr5923= (NM_133432.3); c.17970G>A, p.Thr5990= (NM_133437.4).
Identifiers: ClinVar variation 178214 (VCV000178214.42), dbSNP rs369800903, ClinGen allele CA181807.
Genomic context (GRCh38, chr2:178,624,691, plus strand): 5'-CACCTTAGCATTTTCTCTGGAGACTTCACACTCCAGCACTGCAGTGGCTCCCTCTTCGAC[C>T]GTCTGGTCCTCAAGAGGCTTAGTGAATTCAACTGGGGGTTCTGAAAGAATCATACTCATT-3'
Protein context (NP_001254479.2, residues 14853-14873): VEFTKPLEDQ[Thr14863=]VEEGATAVLE